The following is an entry in ClinVar:

NM_004204.5(PIGQ):c.148G>T (p.Ala50Ser)

Gene: PIGQ (phosphatidylinositol glycan anchor biosynthesis class Q; plus strand). Cytogenetic location: 16p13.3.
Variant type: single nucleotide variant.
Coding change: c.148G>T on transcript NM_004204.5 (MANE Select); coding-DNA position 148, G replaced by T.
Protein change: p.Ala50Ser; replaces alanine 50 with serine.
Molecular consequence: missense variant.
Genome position (GRCh38, 1-based): chr16:574,222, G>T. VCF-style: chr16-574222-G-T. GRCh37 (hg19) VCF-style: chr16-624222-G-T.
Other names: c.148G>T (NM_148920.1); c.148G>T, p.Ala50Ser (NM_148920.4); short protein forms A50S.
Identifiers: ClinVar variation 1041437 (VCV001041437.9), dbSNP rs760734408, ClinGen allele CA7779792.

ClinVar aggregate classification (germline): Uncertain significance. Review status: criteria provided, multiple submitters, no conflicts (2 of 4 stars). 3 submissions from 3 submitters: Uncertain significance (3). Last evaluated 2023-02-13.

Conditions:
Inborn genetic diseases. Identifiers: MedGen C0950123, MeSH D030342.
Epilepsy. Also called: Seizure disorder. Identifiers: MedGen C0014544, MeSH D004827, MONDO:0005027.

Allele frequency attached by ClinVar (database versions not stated): gnomAD exomes 0.00002 and 0.00001; gnomAD 0.00009 and 0.00010; ExAC 0.00002; TOPMed 0.00007.
gnomAD v4.1: 35 of 1,611,588 alleles (0.0022%); highest among the groups gnomAD compares: African/African-American, 0.044%; no homozygotes.

Submissions (3):

Ambry Genetics
Classification: Uncertain significance for Inborn genetic diseases. Last evaluated: 2023-02-13. Review status: criteria provided, single submitter. Criteria: Ambry Variant Classification Scheme 2023. Collection method: clinical testing. Allele origin: germline.

Labcorp Genetics (formerly Invitae), Labcorp
Classification: Uncertain significance for Epilepsy. Last evaluated: 2022-07-25. Review status: criteria provided, single submitter. Criteria: Invitae Variant Classification Sherloc (09022015). Collection method: clinical testing. Allele origin: germline.
Comment: This sequence change replaces alanine, which is neutral and non-polar, with serine, which is neutral and polar, at codon 50 of the PIGQ protein (p.Ala50Ser). The frequency data for this variant in the population databases is considered unreliable, as metrics indicate poor data quality at this position in the gnomAD database. This variant has not been reported in the literature in individuals affected with PIGQ-related conditions. ClinVar contains an entry for this variant (Variation ID: 1041437). Algorithms developed to predict the effect of missense changes on protein structure and function output the following: SIFT: "Tolerated"; PolyPhen-2: "Benign"; Align-GVGD: "Class C0". The serine amino acid residue is found in multiple mammalian species, which suggests that this missense change does not adversely affect protein function. In summary, the available evidence is currently insufficient to determine the role of this variant in disease. Therefore, it has been classified as a Variant of Uncertain Significance.

GeneDx
Classification: Uncertain significance. Last evaluated: 2019-06-26. Review status: criteria provided, single submitter. Criteria: GeneDx Variant Classification Process June 2021. Collection method: clinical testing. Allele origin: germline. Affected: yes.
Comment: In silico analysis, which includes protein predictors and evolutionary conservation, supports that this variant does not alter protein structure/function; Has not been previously published as pathogenic or benign to our knowledge